The following is an entry in ClinVar:

NM_000255.4(MMUT):c.-17T>A

Gene: MMUT (methylmalonyl-CoA mutase; minus strand). Cytogenetic location: 6p12.3.
Variant type: single nucleotide variant.
Coding change: c.-17T>A on transcript NM_000255.4 (MANE Select); 17 bases upstream of the start codon, T replaced by A.
Molecular consequence: 5 prime UTR variant.
Genome position (GRCh38, 1-based): chr6:49,459,483, A>T on the plus strand (T>A on the coding strand, the complement: MMUT is on the minus strand). VCF-style: chr6-49459483-A-T. GRCh37 (hg19) VCF-style: chr6-49427196-A-T.
Other names: KC594079.1.
Identifiers: ClinVar variation 100700 (VCV000100700.1), dbSNP rs483352789, ClinGen allele CA235513.

ClinVar aggregate classification (germline): not provided (0 of 4 stars; one submission).

Submission:

Medical Genetics Unit, Ain Shams University Pediatrics Hospital
No classification provided. Review status: no classification provided. Collection method: not provided. Allele origin: not provided.
Comment: Methylmalonic aciduria